The following is an entry in ClinVar:

NM_052899.3(GPRIN1):c.2595C>T (p.Ala865=)

Genes: GPRIN1 (G protein regulated inducer of neurite outgrowth 1; minus strand), LOC129995349 (ATAC-STARR-seq lymphoblastoid silent region 16659; plus strand). Cytogenetic location: 5q35.2.
Variant type: single nucleotide variant.
Coding change: c.2595C>T on transcript NM_052899.3 (MANE Select); coding-DNA position 2595, C replaced by T.
Protein change: p.Ala865=; no amino-acid change (alanine 865 retained).
Molecular consequence: synonymous variant.
Genome position (GRCh38, 1-based): chr5:176,597,240, G>A on the plus strand (C>T on the coding strand, the complement: GPRIN1 is on the minus strand). VCF-style: chr5-176597240-G-A. GRCh37 (hg19) VCF-style: chr5-176024241-G-A.
Identifiers: ClinVar variation 2656094 (VCV002656094.24), dbSNP rs555447046, ClinGen allele CA3571640.

ClinVar aggregate classification (germline): Likely benign (1 of 4 stars; one submission).

Allele frequency attached by ClinVar (database versions not stated): gnomAD exomes 0.00006; 1000 Genomes Project 0.00020; 1000 Genomes Project 30x 0.00078; ExAC 0.00210.

Submission:

CeGaT Center for Human Genetics Tuebingen
Classification: Likely benign. Last evaluated: 2022-05-01. Review status: criteria provided, single submitter. Criteria: CeGaT Center For Human Genetics Tuebingen Variant Classification Criteria Version 2. Collection method: clinical testing. Allele origin: germline. Affected: yes. Observed: 1 variant allele.
Comment: GPRIN1: BP4, BP7